The following is an entry in ClinVar:

NM_001384900.1(SEMA3D):c.97C>A (p.Pro33Thr)

Gene: SEMA3D (semaphorin 3D; minus strand). Cytogenetic location: 7q21.11.
Variant type: single nucleotide variant.
Coding change: c.97C>A on transcript NM_001384900.1 (MANE Select); coding-DNA position 97, C replaced by A.
Protein change: p.Pro33Thr; replaces proline 33 with threonine.
Molecular consequence: missense variant.
Genome position (GRCh38, 1-based): chr7:85,121,795, G>T on the plus strand (C>A on the coding strand, the complement: SEMA3D is on the minus strand). VCF-style: chr7-85121795-G-T. GRCh37 (hg19) VCF-style: chr7-84751111-G-T.
Other names: c.97C>A, p.Pro33Thr (NM_001384901.1, NM_001384902.1, NM_001384903.1 and 1 more transcripts); short protein forms P33T.
Identifiers: ClinVar variation 4984210 (VCV004984210.1).

ClinVar aggregate classification (germline): Uncertain significance (1 of 4 stars; one submission).

Conditions:
SEMA3D-related disorder. Also called: SEMA3D-related condition.

gnomAD v4.1: 2 of 1,609,490 alleles (0.00012%); highest among the groups gnomAD compares: East Asian, 0.0022%; no homozygotes.

Submission:

PreventionGenetics, part of Exact Sciences
Classification: Uncertain significance for SEMA3D-related condition. Last evaluated: 2026-08-17. Review status: criteria provided, single submitter. Criteria: ACMG Guidelines, 2015. Collection method: clinical testing. Allele origin: germline.
Comment: The SEMA3D c.97C>A variant is predicted to result in the amino acid substitution p.Pro33Thr. To our knowledge, this variant has not been reported in the literature. This variant is reported in 0.011% of alleles in individuals of East Asian descent in gnomAD. At this time, the clinical significance of this variant is uncertain due to the absence of conclusive functional and genetic evidence.